The following is an entry in ClinVar:

ClinVar aggregate classification (germline): Conflicting classifications of pathogenicity. Review status: criteria provided, conflicting classifications (1 of 4 stars). 3 submissions from 3 submitters: Likely pathogenic (1); Uncertain significance (2). Last evaluated 2025-03-05.

Conditions:
Inborn genetic diseases. Identifiers: MedGen C0950123, MeSH D030342.
Neuronopathy, distal hereditary motor, type 9. Also called: NEURONOPATHY, DISTAL HEREDITARY MOTOR, TYPE IX; NEUROPATHY, DISTAL HEREDITARY MOTOR, TYPE IX; NEURONOPATHY, DISTAL HEREDITARY MOTOR, AUTOSOMAL DOMINANT 9. Identifiers: MedGen C4540265, MONDO:0060585, OMIM 617721.

Allele frequency attached by ClinVar (database versions not stated): ExAC 0.00001; ESP Exome Variant Server 0.00008.
gnomAD v4.1: 13 of 1,614,092 alleles (0.00081%); highest among the groups gnomAD compares: Middle Eastern, 0.016%; no homozygotes.

Submissions (3):

Women's Health and Genetics/Laboratory Corporation of America, LabCorp
Classification: Uncertain significance. Last evaluated: 2025-03-05. Review status: criteria provided, single submitter. Criteria: LabCorp Variant Classification Summary - May 2015. Collection method: clinical testing. Allele origin: germline.
Comment: Variant summary: WARS1 c.700A>G (p.Ile234Val) results in a conservative amino acid change in the encoded protein sequence. Three of five in-silico tools predict a damaging effect of the variant on protein function. The variant allele was found at a frequency of 7.1e-06 in 282834 control chromosomes (gnomAD). The available data on variant occurrences in the general population are insufficient to allow any conclusion about variant significance. To our knowledge, no occurrence of c.700A>G in individuals affected with Neurodevelopmental disorder with microcephaly and speech delay, with or without brain abnormalities and no experimental evidence demonstrating its impact on protein function have been reported. ClinVar contains an entry for this variant (Variation ID: 2592873). Based on the evidence outlined above, the variant was classified as uncertain significance.

Ambry Genetics
Classification: Uncertain significance for Inborn genetic diseases. Last evaluated: 2023-09-13. Review status: criteria provided, single submitter. Criteria: Ambry Variant Classification Scheme 2023. Collection method: clinical testing. Allele origin: germline.

Breakthrough Genomics
Classification: Likely pathogenic for Neuronopathy, distal hereditary motor, type 9. Last evaluated: 2021-06-17. Review status: criteria provided, single submitter. Criteria: ACMG Guidelines, 2015. Collection method: clinical testing. Allele origin: germline. Affected: yes.
Comment: This variant lies in the catalytic domain of the protein [PMID: 28369220] and predicted to be damaging by in-silico missense prediction tools (SIFT and Polyphen2). It has not been previously reported in the literature. However, in ClinVar database, other missense variants lying in the catalytic domain of the protein such as; p.His257Arg and p.Asp314Gly have been previously reported as ‘pathogenic’ in the context of neuronopathy, distal hereditary motor, type 9.

NM_004184.4(WARS1):c.700A>G (p.Ile234Val)

Gene: WARS1 (tryptophanyl-tRNA synthetase 1; minus strand). Cytogenetic location: 14q32.2.
Variant type: single nucleotide variant.
Coding change: c.700A>G on transcript NM_004184.4 (MANE Select); coding-DNA position 700, A replaced by G.
Protein change: p.Ile234Val; replaces isoleucine 234 with valine.
Molecular consequence: missense variant.
Genome position (GRCh38, 1-based): chr14:100,353,712, T>C on the plus strand (A>G on the coding strand, the complement: WARS1 is on the minus strand). VCF-style: chr14-100353712-T-C. GRCh37 (hg19) VCF-style: chr14-100820049-T-C.
Other names: p.Ile234Val; c.700A>G, p.Ile234Val (NM_173701.2); c.577A>G, p.Ile193Val (NM_213645.2, NM_213646.2); short protein forms I234V, I193V.
Identifiers: ClinVar variation 2592873 (VCV002592873.5), dbSNP rs138324067, ClinGen allele CA7345235.